The following is an entry in ClinVar:

ClinVar aggregate classification (germline): Benign/Likely benign. Review status: criteria provided, multiple submitters, no conflicts (2 of 4 stars). 2 submissions from 2 submitters: Benign (1); Likely benign (1). Last evaluated 2026-04-15.

Conditions:
DICER1-related tumor predisposition. Also called: DICER1-related pleuropulmonary blastoma cancer predisposition syndrome; DICER1 syndrome. Identifiers: Orphanet 284343, MedGen C3839822, MONDO:0100216.

Submissions (2):

Myriad Genetics, Inc.
Classification: Benign for DICER1-related tumor predisposition. Last evaluated: 2026-04-15. Review status: criteria provided, single submitter. Criteria: Myriad Autosomal Dominant, Autosomal Recessive and X-Linked Classification Criteria (2023). Collection method: clinical testing. Allele origin: unknown.
Comment: This variant is considered benign. This variant is a silent/synonymous amino acid change and it is not expected to impact splicing.

Labcorp Genetics (formerly Invitae), Labcorp
Classification: Likely benign for DICER1-related tumor predisposition. Last evaluated: 2025-09-13. Review status: criteria provided, single submitter. Criteria: Invitae Variant Classification Sherloc (09022015). Collection method: clinical testing. Allele origin: germline.

NM_177438.3(DICER1):c.294C>T (p.Phe98=)

Gene: DICER1 (dicer 1, ribonuclease III; minus strand). Cytogenetic location: 14q32.13.
Variant type: single nucleotide variant.
Coding change: c.294C>T on transcript NM_177438.3 (MANE Select); coding-DNA position 294, C replaced by T.
Protein change: p.Phe98=; no amino-acid change (phenylalanine 98 retained).
Molecular consequence: synonymous variant. On other transcripts: missense variant (7), 5 prime UTR variant (2), non-coding transcript variant (6).
Genome position (GRCh38, 1-based): chr14:95,132,528, G>A on the plus strand (C>T on the coding strand, the complement: DICER1 is on the minus strand). VCF-style: chr14-95132528-G-A. GRCh37 (hg19) VCF-style: chr14-95598865-G-A.
Other names: c.294C>T, p.Phe98= (NM_001195573.1, NM_001271282.3, NM_001291628.2 and 14 more transcripts); c.20C>T, p.Ser7Phe (NM_001395686.1, NM_001395687.1, NM_001395688.1 and 4 more transcripts); c.-165C>T (NM_001395691.1); c.-1275C>T (NM_001395697.1); short protein forms S7F.
Identifiers: ClinVar variation 4799415 (VCV004799415.2).